The following is an entry in ClinVar:

NM_000317.3(PTS):c.259C>T (p.Pro87Ser)

Gene: PTS (6-pyruvoyltetrahydropterin synthase; plus strand). Cytogenetic location: 11q23.1.
Variant type: single nucleotide variant.
Coding change: c.259C>T on transcript NM_000317.3 (MANE Select); coding-DNA position 259, C replaced by T.
Protein change: p.Pro87Ser; replaces proline 87 with serine.
Molecular consequence: missense variant.
Genome position (GRCh38, 1-based): chr11:112,233,178, C>T. VCF-style: chr11-112233178-C-T. GRCh37 (hg19) VCF-style: chr11-112103901-C-T.
Other names: short protein forms P87S.
Identifiers: ClinVar variation 480 (VCV000000480.31), dbSNP rs104894276, ClinGen allele CA114319.
Genomic context (GRCh38, chr11:112,233,178, plus strand): 5'-GTCGTAAATGGAGTCAATGATATTTTCCCTTGGTTTTGTCTCTAGGAGGCGATTATGCAG[C>T]CCCTTGATCATAAGAATCTGGATATGGATGTGCCATACTTTGCAGATGTGGTGAGGTGGG-3'
Protein context (NP_000308.1, residues 77-97): KKYMEEAIMQ[Pro87Ser]LDHKNLDMDV

ClinVar aggregate classification (germline): Pathogenic. Review status: criteria provided, multiple submitters, no conflicts (2 of 4 stars). 11 submissions from 11 submitters: Pathogenic (8). 3 of the submissions do not count toward it. Last evaluated 2026-01-09.

Conditions:
GTP cyclohydrolase I deficiency with hyperphenylalaninemia (HPABH4B). Also called: Hyperphenylalaninemia, tetrahydrobiopterin-deficient, due to GTP cyclohydrolase 1 deficiency; HYPERPHENYLALANINEMIA, BH4-DEFICIENT, B; HYPERPHENYLALANINEMIA, TETRAHYDROBIOPTERIN-DEFICIENT, DUE TO GTP CYCLOHYDROLASE I DEFICIENCY. Identifiers: Orphanet 2102, Orphanet 238583, MedGen CN305333, MONDO:0100186, OMIM 233910.
Hyperphenylalaninemia due to tetrahydrobiopterin deficiency. Also called: Tetrahydrobiopterin deficiency; BH4-Deficient Hyperphenylalaninemia. Identifiers: Orphanet 238583, MedGen C0751436, MONDO:0016543.
6-Pyruvoyl-tetrahydrobiopterin synthase deficiency. Also called: PTS-Related Tetrahydrobiopterin Deficiency; PTS DEFICIENCY; BH4-deficient hyperphenylalaninemia A; Hyperphenylalanemia, BH4-deficient, A; Hyperphenylalaninemia due to 6-pyruvoyl-tetrahydropterin synthase deficiency; 6-Pyruvoyltetrahydropterin Synthase Deficiency. Identifiers: Orphanet 13, Orphanet 238583, MedGen C0878676, MONDO:0009863, OMIM 261640.

Allele frequency attached by ClinVar (database versions not stated): gnomAD 0.00001; gnomAD exomes 0.00002; TOPMed 0.00002; 1000 Genomes Project 30x 0.00031; 1000 Genomes Project 0.00040.

Submissions (11):

Labcorp Genetics (formerly Invitae), Labcorp
Classification: Pathogenic for 6-Pyruvoyl-tetrahydrobiopterin synthase deficiency. Last evaluated: 2026-01-09. Review status: criteria provided, single submitter. Criteria: Invitae Variant Classification Sherloc (09022015). Collection method: clinical testing. Allele origin: germline.
Comment: This sequence change replaces proline, which is neutral and non-polar, with serine, which is neutral and polar, at codon 87 of the PTS protein (p.Pro87Ser). This variant is present in population databases (rs104894276, gnomAD 0.1%). This missense change has been observed in individuals with PTS-related conditions (PMID: 8707300, 11694255, 21933604). ClinVar contains an entry for this variant (Variation ID: 480). An algorithm developed to predict the effect of missense changes on protein structure and function (PolyPhen-2) suggests that this variant is likely to be tolerated. Experimental studies have shown that this missense change affects PTS function (PMID: 10319579). This variant disrupts the p.Pro87 amino acid residue in PTS. Other variant(s) that disrupt this residue have been determined to be pathogenic (PMID: 7493990, 10319579, 11388593, 11694255, 19350512). This suggests that this residue is clinically significant, and that variants that disrupt this residue are likely to be disease-causing. For these reasons, this variant has been classified as Pathogenic.

3billion
Classification: Pathogenic for 6-Pyruvoyl-tetrahydrobiopterin synthase deficiency. Last evaluated: 2025-12-25. Review status: criteria provided, single submitter. Criteria: ACMG Guidelines, 2015. Collection method: clinical testing. Allele origin: germline. Affected: yes.
Comment: The variant is observed at an extremely low frequency in the gnomAD v4.1.0 dataset (total allele frequency: 0.002%). Predicted Consequence/Location: Missense variant In silico tool predictions suggest damaging effect of the variant on gene or gene product [REVEL: 0.85 (>=0.6, sensitivity 0.68 and specificity 0.92); 3Cnet: 0.87 (> 0.75, sensitivity 0.96 and precision 0.92)]. The same nucleotide change resulting in the same amino acid change has been previously reported as pathogenic/likely pathogenic with strong evidence (ClinVar ID: VCV000000480 /PMID: 8707300). The variant has been reported to be in trans with a pathogenic variant as either compound heterozygous or homozygous in at least 2 similarly affected unrelated individuals (PMID: 11694255). A different missense change at the same codon (p.Pro87Leu) has been reported as pathogenic/likely pathogenic with strong evidence (ClinVar ID: VCV000553829 /PMID: 7493990). Therefore, this variant is classified as Pathogenic according to the recommendation of ACMG/AMP guideline.

Natera, Inc.
Classification: Pathogenic for 6-Pyruvoyl-tetrahydrobiopterin synthase deficiency. Last evaluated: 2025-09-04. Review status: criteria provided, single submitter. Criteria: Natera Variant Classification Schema (03/2026). Collection method: clinical testing. Allele origin: germline.
Comment: The c.259C>T variant in PTS is a missense variant predicted to cause substitution of proline to serine at amino acid 87. This variant has been observed in one or more individuals affected with the associated recessive disease, as either homozygous or compound heterozygous with a second variant (PMID: 10319579, 9450907). Given the available evidence, this variant is classified as Pathogenic.

Fulgent Genetics
Classification: Pathogenic for 6-Pyruvoyl-tetrahydrobiopterin synthase deficiency. Last evaluated: 2024-06-09. Review status: criteria provided, single submitter. Criteria: ACMG Guidelines, 2015. Collection method: clinical testing. Allele origin: germline.

Pediatrics, Sichuan Provincial Hospital For Women And Children
Classification: Pathogenic for Hyperphenylalaninemia due to tetrahydrobiopterin deficiency. Last evaluated: 2023-03-14. Review status: criteria provided, single submitter. Criteria: ACMG Guidelines, 2015. Collection method: research. Allele origin: biparental. Inheritance: Autosomal recessive inheritance. Affected: yes. Observed: 1 homozygote.

GeneDx
Classification: Pathogenic. Last evaluated: 2022-05-02. Review status: criteria provided, single submitter. Criteria: GeneDx Variant Classification Process June 2021. Collection method: clinical testing. Allele origin: germline. Affected: yes.
Comment: In silico analysis supports that this missense variant has a deleterious effect on protein structure/function; This variant is associated with the following publications: (PMID: 8707300, 21933604, 25525159, 27246466, 16850690, 19830588, 11438997, 30275481, 33234470, 32778825, 33822819, 10319579, 11694255)

Genome-Nilou Lab
Classification: Pathogenic for 6-Pyruvoyl-tetrahydrobiopterin synthase deficiency. Last evaluated: 2021-09-05. Review status: criteria provided, single submitter. Criteria: ACMG Guidelines, 2015. Collection method: clinical testing. Allele origin: germline. Affected: no.

Juno Genomics, Hangzhou Juno Genomics, Inc
Classification: Pathogenic for 6-Pyruvoyl-tetrahydrobiopterin synthase deficiency. Review status: criteria provided, single submitter. Criteria: ACMG Guidelines, 2015. Collection method: clinical testing. Allele origin: germline. Affected: yes.
Comment: Absent from controls (or at extremely low frequency if recessive) in Genome Aggregation Database.;For recessive disorders, detected in trans with a pathogenic variant.;Patient's phenotype or family history is highly specific for a disease with a single genetic etiology.

Counsyl
Classification: Pathogenic for 6-Pyruvoyl-tetrahydrobiopterin synthase deficiency. Last evaluated: 2017-01-31. Review status: no assertion criteria provided. Collection method: clinical testing. Allele origin: unknown. Not counted in ClinVar's aggregate classification.

OMIM
Classification: Pathogenic for HYPERPHENYLALANINEMIA, BH4-DEFICIENT, A. Last evaluated: 1998-01-01. Review status: no assertion criteria provided. Collection method: literature only. Allele origin: germline. Not counted in ClinVar's aggregate classification.

Neonatal Disease Screening Center, Medical Genetics Center, Huaihua City Maternal and Child Health Care Hospital
Classification: Pathogenic for GTP cyclohydrolase I deficiency with hyperphenylalaninemia. Review status: no assertion criteria provided. Criteria: ACMG Guidelines, 2015. Collection method: clinical testing. Allele origin: germline. Affected: yes. Observed: 1 variant allele. Not counted in ClinVar's aggregate classification.
Comment: PS3+PM3_VS+PP1_M+PP4

Literature cited by the submitters: PubMed 8707300 (cited by 3 submitters); PubMed 11694255 (cited by Labcorp Genetics (formerly Invitae), Labcorp and 3billion); PubMed 21933604 (cited by Labcorp Genetics (formerly Invitae), Labcorp); PubMed 10319579 (cited by Labcorp Genetics (formerly Invitae), Labcorp and Natera, Inc.); PubMed 7493990 (cited by Labcorp Genetics (formerly Invitae), Labcorp and 3billion); PubMed 11388593 (cited by Labcorp Genetics (formerly Invitae), Labcorp); PubMed 19350512 (cited by Labcorp Genetics (formerly Invitae), Labcorp); PubMed 9450907 (cited by 4 submitters); PubMed 22237589 (cited by Counsyl); PubMed 25525159 (cited by Counsyl).